The following is an entry in ClinVar:

ClinVar aggregate classification (germline): Uncertain significance. Review status: criteria provided, multiple submitters, no conflicts (2 of 4 stars). 2 submissions from 2 submitters: Uncertain significance (2). Last evaluated 2025-06-09.

Conditions:
Arrhythmogenic right ventricular dysplasia 10. Also called: Arrhythmogenic Right Ventricular Dysplasia/Cardiomyopathy10; ARRHYTHMOGENIC RIGHT VENTRICULAR DYSPLASIA, FAMILIAL, 10; Arrhythmogenic right ventricular dysplasia/cardiomyopathy, type 10. Identifiers: MedGen C1857777, MONDO:0012434, OMIM 610193.
Cardiomyopathy (CMYO). Also called: Cardiomyopathies. Identifiers: Orphanet 167848, MedGen C0878544, MONDO:0004994, HP:0001638. Inheritance: Various modes of inheritance.

Submissions (2):

Color Diagnostics, LLC DBA Color Health
Classification: Uncertain significance for Cardiomyopathy. Last evaluated: 2025-06-09. Review status: criteria provided, single submitter. Criteria: ACMG Guidelines, 2015. Collection method: clinical testing. Allele origin: germline.
Comment: This missense variant replaces serine with asparagine at codon 4 of the DSG2 protein. Computational prediction suggests that this variant may not impact protein structure and function. To our knowledge, functional studies have not been reported for this variant. This variant has not been reported in individuals affected with DSG2-related disorders in the literature. This variant has not been identified in the general population by the Genome Aggregation Database (gnomAD). The available evidence is insufficient to determine the role of this variant in disease conclusively. Therefore, this variant is classified as a Variant of Uncertain Significance.

Labcorp Genetics (formerly Invitae), Labcorp
Classification: Uncertain significance for Arrhythmogenic right ventricular dysplasia 10. Last evaluated: 2024-11-07. Review status: criteria provided, single submitter. Criteria: Invitae Variant Classification Sherloc (09022015). Collection method: clinical testing. Allele origin: germline.
Comment: This sequence change replaces serine, which is neutral and polar, with asparagine, which is neutral and polar, at codon 4 of the DSG2 protein (p.Ser4Asn). This variant is not present in population databases (gnomAD no frequency). This variant has not been reported in the literature in individuals affected with DSG2-related conditions. Invitae Evidence Modeling of protein sequence and biophysical properties (such as structural, functional, and spatial information, amino acid conservation, physicochemical variation, residue mobility, and thermodynamic stability) has been performed for this missense variant. However, the output from this modeling did not meet the statistical confidence thresholds required to predict the impact of this variant on DSG2 protein function. In summary, the available evidence is currently insufficient to determine the role of this variant in disease. Therefore, it has been classified as a Variant of Uncertain Significance.

NM_001943.5(DSG2):c.11G>A (p.Ser4Asn)

Genes: DSG2 (desmoglein 2; plus strand), LOC130062340 (ATAC-STARR-seq lymphoblastoid silent region 9384; plus strand). Cytogenetic location: 18q12.1.
Variant type: single nucleotide variant.
Coding change: c.11G>A on transcript NM_001943.5 (MANE Select); coding-DNA position 11, G replaced by A.
Protein change: p.Ser4Asn; replaces serine 4 with asparagine.
Molecular consequence: missense variant.
Genome position (GRCh38, 1-based): chr18:31,498,262, G>A. VCF-style: chr18-31498262-G-A. GRCh37 (hg19) VCF-style: chr18-29078225-G-A.
Other names: short protein forms S4N.
Identifiers: ClinVar variation 3718072 (VCV003718072.3).